The following is an entry in ClinVar:

NM_001128225.3(SLC39A13):c.8G>A (p.Gly3Glu)

Gene: SLC39A13 (solute carrier family 39 member 13; plus strand). Cytogenetic location: 11p11.2.
Variant type: single nucleotide variant.
Coding change: c.8G>A on transcript NM_001128225.3 (MANE Select); coding-DNA position 8, G replaced by A.
Protein change: p.Gly3Glu; replaces glycine 3 with glutamic acid.
Molecular consequence: missense variant. On other transcripts: non-coding transcript variant (1).
Genome position (GRCh38, 1-based): chr11:47,410,102, G>A. VCF-style: chr11-47410102-G-A. GRCh37 (hg19) VCF-style: chr11-47431653-G-A.
Other names: c.8G>A, p.Gly3Glu (NM_001330245.2, NM_001441271.1, NM_001441272.1 and 5 more transcripts); short protein forms G3E.
Identifiers: ClinVar variation 4631327 (VCV004631327.4).
Genomic context (GRCh38, chr11:47,410,102, plus strand): 5'-CGGCCAAGGCTGTAGCTCATATAGGTGGCCTTTTGTGTTTTTCAGTACGTGGCATGCCTG[G>A]ATGTCCCTGCCCTGGCTGTGGCATGGCGGGCCCAAGGCTCCTCTTCCTCACTGCCCTTGC-3'
Protein context (NP_001121697.2, residues 1-13): MP[Gly3Glu]CPCPGCGMAG

ClinVar aggregate classification (germline): Uncertain significance. Review status: criteria provided, multiple submitters, no conflicts (2 of 4 stars). 4 submissions from 4 submitters: Uncertain significance (4). Last evaluated 2026-01-27.

Conditions:
Ehlers-Danlos syndrome, spondylodysplastic type, 3. Also called: Ehlers-Danlos syndrome, spondylocheirodysplastic type. Identifiers: Orphanet 157965, MedGen C2676510, MONDO:0012873, OMIM 612350.
Inborn genetic diseases. Identifiers: MedGen C0950123, MeSH D030342.

Submissions (4):

Women's Health and Genetics/Laboratory Corporation of America, LabCorp
Classification: Uncertain significance. Last evaluated: 2026-01-27. Review status: criteria provided, single submitter. Criteria: LabCorp Variant Classification Summary - May 2015. Collection method: clinical testing. Allele origin: germline.
Comment: Variant summary: SLC39A13 c.8G>A (p.Gly3Glu) results in a non-conservative amino acid change in the encoded protein sequence. Algorithms developed to predict the effect of missense changes on protein structure and function are either unavailable or do not agree on the potential impact of this missense change. The variant allele was found at a frequency of 2e-05 in 248290 control chromosomes. The available data on variant occurrences in the general population are insufficient to allow any conclusion about variant significance. To our knowledge, no occurrence of c.8G>A in individuals affected with SLC39A13-related conditions and no experimental evidence demonstrating its impact on protein function have been reported. ClinVar contains an entry for this variant (Variation ID: 4631327). Based on the evidence outlined above, the variant was classified as uncertain significance.

Ambry Genetics
Classification: Uncertain significance for Inborn genetic diseases. Last evaluated: 2025-10-08. Review status: criteria provided, single submitter. Criteria: Ambry Variant Classification Scheme 2023. Collection method: clinical testing. Allele origin: germline.

Labcorp Genetics (formerly Invitae), Labcorp
Classification: Uncertain significance for Ehlers-Danlos syndrome, spondylodysplastic type, 3. Last evaluated: 2025-04-10. Review status: criteria provided, single submitter. Criteria: Invitae Variant Classification Sherloc (09022015). Collection method: clinical testing. Allele origin: germline.
Comment: This sequence change replaces glycine, which is neutral and non-polar, with glutamic acid, which is acidic and polar, at codon 3 of the SLC39A13 protein (p.Gly3Glu). This variant is present in population databases (rs201034160, gnomAD 0.004%). This variant has not been reported in the literature in individuals affected with SLC39A13-related conditions. Experimental studies and prediction algorithms are not available or were not evaluated, and the functional significance of this variant is currently unknown. In summary, the available evidence is currently insufficient to determine the role of this variant in disease. Therefore, it has been classified as a Variant of Uncertain Significance.

Blueprint Genetics
Classification: Uncertain significance. Last evaluated: 2024-09-10. Review status: criteria provided, single submitter. Criteria: ACMG Guidelines, 2015. Collection method: clinical testing. Allele origin: germline.